The following is an entry in ClinVar:

NM_138296.3(PTCRA):c.680G>A (p.Arg227Gln)

Gene: PTCRA (pre T cell antigen receptor alpha; plus strand). Cytogenetic location: 6p21.1.
Variant type: single nucleotide variant.
Coding change: c.680G>A on transcript NM_138296.3 (MANE Select); coding-DNA position 680, G replaced by A.
Protein change: p.Arg227Gln; replaces arginine 227 with glutamine.
Molecular consequence: missense variant.
Genome position (GRCh38, 1-based): chr6:42,925,516, G>A. VCF-style: chr6-42925516-G-A. GRCh37 (hg19) VCF-style: chr6-42893254-G-A.
Other names: c.725G>A, p.Arg242Gln (NM_001243168.2); c.605G>A, p.Arg202Gln (NM_001243169.2); c.359G>A, p.Arg120Gln (NM_001243170.2); short protein forms R120Q, R202Q, R227Q, R242Q.
Identifiers: ClinVar variation 781870 (VCV000781870.11), dbSNP rs146531157, ClinGen allele CA3810290.

ClinVar aggregate classification (germline): Benign/Likely benign. Review status: criteria provided, multiple submitters, no conflicts (2 of 4 stars). 2 submissions from 2 submitters: Benign (1); Likely benign (1). Last evaluated 2026-08-01.

Allele frequency attached by ClinVar (database versions not stated): 1000 Genomes Project 30x 0.00109; 1000 Genomes Project 0.00120; gnomAD 0.00311 and 0.00314; TOPMed 0.00318; ESP Exome Variant Server 0.00325; gnomAD exomes 0.00356 and 0.00363; ExAC 0.00762.
gnomAD v4.1: 5,581 of 1,576,268 alleles (0.35%); highest among the groups gnomAD compares: Middle Eastern, 0.48%; 19 homozygotes.

Submissions (2):

CeGaT Center for Human Genetics Tuebingen
Classification: Likely benign. Last evaluated: 2026-08-01. Review status: criteria provided, single submitter. Criteria: CeGaT Center For Human Genetics Tuebingen Variant Classification Criteria Version 2. Collection method: clinical testing. Allele origin: germline. Affected: yes. Observed: 3 variant alleles.
Comment: PTCRA: BP4

Labcorp Genetics (formerly Invitae), Labcorp
Classification: Benign. Last evaluated: 2018-05-30. Review status: criteria provided, single submitter. Criteria: Invitae Variant Classification Sherloc (09022015). Collection method: clinical testing. Allele origin: germline.